The following is an entry in ClinVar:

NM_006767.4(LZTR1):c.1756G>C (p.Ala586Pro)

Gene: LZTR1 (leucine zipper like post translational regulator 1; plus strand). Cytogenetic location: 22q11.21.
Variant type: single nucleotide variant.
Coding change: c.1756G>C on transcript NM_006767.4 (MANE Select); coding-DNA position 1756, G replaced by C.
Protein change: p.Ala586Pro; replaces alanine 586 with proline.
Molecular consequence: missense variant.
Genome position (GRCh38, 1-based): chr22:20,994,698, G>C. VCF-style: chr22-20994698-G-C. GRCh37 (hg19) VCF-style: chr22-21348987-G-C.
Other names: short protein forms A586P.
Identifiers: ClinVar variation 3994959 (VCV003994959.1).

ClinVar aggregate classification (germline): Uncertain significance (1 of 4 stars; one submission).

Conditions:
Cardiovascular phenotype. Identifiers: MedGen CN230736.
Hereditary cancer-predisposing syndrome. Also called: Tumor predisposition; Hereditary neoplastic syndrome; Neoplastic Syndromes, Hereditary; Hereditary Cancer Syndrome. Identifiers: Orphanet 140162, MedGen C0027672, MeSH D009386, MONDO:0015356.

Submission:

Ambry Genetics
Classification: Uncertain significance for Cardiovascular phenotype; Hereditary cancer-predisposing syndrome. Last evaluated: 2025-06-06. Review status: criteria provided, single submitter. Criteria: Ambry Variant Classification Scheme 2023. Collection method: clinical testing. Allele origin: germline.
Comment: The p.A586P variant (also known as c.1756G>C), located in coding exon 15 of the LZTR1 gene, results from a G to C substitution at nucleotide position 1756. The alanine at codon 586 is replaced by proline, an amino acid with highly similar properties. This amino acid position is conserved. In addition, this alteration is predicted to be deleterious by in silico analysis. Based on the available evidence, the clinical significance of this variant remains unclear.